The following is an entry in ClinVar:

NM_080605.4(B3GALT6):c.251_257del (p.Arg84fs)

Gene: B3GALT6 (beta-1,3-galactosyltransferase 6; plus strand). Cytogenetic location: 1p36.33.
Variant type: Deletion.
Coding change: c.251_257del on transcript NM_080605.4 (MANE Select); coding-DNA positions 251 to 257, 7 bases deleted (GCGGGGC; older notation c.251_257delGCGGGGC).
Protein change: p.Arg84fs; shifts the reading frame from arginine 84.
Molecular consequence: frameshift variant.
Genome position (GRCh38, 1-based): chr1:1,232,529-1,232,535, GCGGGGC deleted; deleting any 7 consecutive bases within chr1:1,232,526-1,232,535 gives the same sequence; the c. name uses the placement nearest the transcript's 3' end. VCF-style (leftmost placement, unchanged base first): chr1-1232525-CGGCGCGG-C. GRCh37 (hg19) VCF-style: chr1-1167905-CGGCGCGG-C.
Other names: short protein forms R84fs.
Identifiers: ClinVar variation 4785201 (VCV004785201.1).

ClinVar aggregate classification (germline): Pathogenic (1 of 4 stars; one submission).

Conditions:
Ehlers-Danlos syndrome, spondylodysplastic type, 2 (EDSSPD2). Also called: Ehlers-Danlos syndrome, progeroid type, 2. Identifiers: Orphanet 536467, Orphanet 75496, MedGen C3809210, MONDO:0014139, OMIM 615349.
Spondyloepimetaphyseal dysplasia with joint laxity (SEMDJL). Identifiers: MedGen C0432243, MONDO:0019675.

Submission:

Labcorp Genetics (formerly Invitae), Labcorp
Classification: Pathogenic for Ehlers-Danlos syndrome, spondylodysplastic type, 2; Spondyloepimetaphyseal dysplasia with joint laxity. Last evaluated: 2025-06-12. Review status: criteria provided, single submitter. Criteria: Invitae Variant Classification Sherloc (09022015). Collection method: clinical testing. Allele origin: germline.
Comment: This sequence change creates a premature translational stop signal (p.Arg84Profs*192) in the B3GALT6 gene. While this is not anticipated to result in nonsense mediated decay, it is expected to disrupt the last 246 amino acid(s) of the B3GALT6 protein. The frequency data for this variant in the population databases is considered unreliable, as metrics indicate insufficient coverage at this position in the gnomAD database. This variant has not been reported in the literature in individuals affected with B3GALT6-related conditions. This variant disrupts a region of the B3GALT6 protein in which other variant(s) (p.Glu265Asp) have been determined to be pathogenic (PMID: 25149931, 29931299, 37657630). This suggests that this is a clinically significant region of the protein, and that variants that disrupt it are likely to be disease-causing. For these reasons, this variant has been classified as Pathogenic.

Literature cited by the submitters: PubMed 25149931; PubMed 29931299; PubMed 37657630.